The following is an entry in ClinVar:

ClinVar aggregate classification (germline): Conflicting classifications of pathogenicity. Review status: criteria provided, conflicting classifications (1 of 4 stars). 2 submissions from 2 submitters: Uncertain significance (1); Likely benign (1). Last evaluated 2026-07-13.

Conditions:
Inborn genetic diseases. Identifiers: MedGen C0950123, MeSH D030342.

Allele frequency attached by ClinVar (database versions not stated): gnomAD exomes below 0.00001.
gnomAD v4.1: 1 of 1,613,860 alleles (0.000062%); highest among the groups gnomAD compares: South Asian, 0.0011%; no homozygotes.

Submissions (2):

Ambry Genetics
Classification: Likely benign for Inborn genetic diseases. Last evaluated: 2026-07-13. Review status: criteria provided, single submitter. Criteria: Ambry Variant Classification Scheme 2023. Collection method: clinical testing. Allele origin: germline.

Labcorp Genetics (formerly Invitae), Labcorp
Classification: Uncertain significance. Last evaluated: 2024-12-02. Review status: criteria provided, single submitter. Criteria: Invitae Variant Classification Sherloc (09022015). Collection method: clinical testing. Allele origin: germline.
Comment: This sequence change replaces lysine, which is basic and polar, with arginine, which is basic and polar, at codon 867 of the RP1 protein (p.Lys867Arg). This variant is not present in population databases (gnomAD no frequency). This variant has not been reported in the literature in individuals affected with RP1-related conditions. ClinVar contains an entry for this variant (Variation ID: 1377285). An algorithm developed to predict the effect of missense changes on protein structure and function outputs the following: PolyPhen-2: "Benign". The arginine amino acid residue is found in multiple mammalian species, which suggests that this missense change does not adversely affect protein function. In summary, the available evidence is currently insufficient to determine the role of this variant in disease. Therefore, it has been classified as a Variant of Uncertain Significance.

NM_006269.2(RP1):c.2600A>G (p.Lys867Arg)

Gene: RP1 (RP1 axonemal microtubule associated; plus strand). Cytogenetic location: 8q12.1.
Variant type: single nucleotide variant.
Coding change: c.2600A>G on transcript NM_006269.2 (MANE Select); coding-DNA position 2600, A replaced by G.
Protein change: p.Lys867Arg; replaces lysine 867 with arginine.
Molecular consequence: missense variant. On other transcripts: intron variant (1).
Genome position (GRCh38, 1-based): chr8:54,626,482, A>G. VCF-style: chr8-54626482-A-G. GRCh37 (hg19) VCF-style: chr8-55539042-A-G.
Other names: c.787+4194A>G (NM_001375654.1); c.2600A>G (NM_006269.1); short protein forms K867R.
Identifiers: ClinVar variation 1377285 (VCV001377285.7), dbSNP rs2129316715, ClinGen allele CA370994202.